The following is an entry in ClinVar:

NM_138694.4(PKHD1):c.5221G>A (p.Val1741Met)

Genes: PKHD1 (PKHD1 ciliary IPT domain containing fibrocystin/polyductin; minus strand), LOC126859690 (MED14-independent group 3 enhancer GRCh37_chr6:51888848-51890047; plus strand). Cytogenetic location: 6p12.2.
Variant type: single nucleotide variant.
Coding change: c.5221G>A on transcript NM_138694.4 (MANE Select); coding-DNA position 5221, G replaced by A.
Protein change: p.Val1741Met; replaces valine 1741 with methionine.
Molecular consequence: missense variant.
Genome position (GRCh38, 1-based): chr6:52,024,589, C>T on the plus strand (G>A on the coding strand, the complement: PKHD1 is on the minus strand). VCF-style: chr6-52024589-C-T. GRCh37 (hg19) VCF-style: chr6-51889387-C-T.
Other names: c.5221G>A (NM_170724.2); c.5221G>A, p.Val1741Met (NM_170724.3); short protein forms V1741M.
Identifiers: ClinVar variation 4111 (VCV000004111.63), dbSNP rs137852946, ClinGen allele CA234572.

ClinVar aggregate classification (germline): Pathogenic/Likely pathogenic. Review status: criteria provided, multiple submitters, no conflicts (2 of 4 stars). 13 submissions from 13 submitters: Pathogenic (1); Likely pathogenic (8). 4 of the submissions do not count toward it. Last evaluated 2026-08-10.

Conditions:
PKHD1-related disorder. Also called: PKHD1-related condition.
Polycystic kidney disease 4 (PKD4). Also called: Autosomal Recessive Polycystic Kidney Disease – PKHD1; POLYCYSTIC KIDNEY DISEASE 4 WITH OR WITHOUT POLYCYSTIC LIVER DISEASE; POLYCYSTIC KIDNEY AND HEPATIC DISEASE 1; POLYCYSTIC KIDNEY DISEASE, INFANTILE, TYPE I; PKD3. Identifiers: MedGen C4540575, MONDO:0033004, OMIM 263200.
Autosomal recessive polycystic kidney disease (ARPKD). Also called: AR polycystic kidney disease. Identifiers: Orphanet 731, Orphanet 8378, MedGen C0085548, MeSH D017044, MONDO:0009889.

Allele frequency attached by ClinVar (database versions not stated): gnomAD exomes 0.00004 and 0.00003; TOPMed 0.00003; ESP Exome Variant Server 0.00023; gnomAD 0.00001; ExAC 0.00002.
gnomAD v4.1: 59 of 1,613,994 alleles (0.0037%); highest among the groups gnomAD compares: Non-Finnish European, 0.0047%; no homozygotes.

Submissions (13):

Centre of Medical Genetics, University Hospital Muenster
Classification: Likely pathogenic. Last evaluated: 2026-08-10. Review status: criteria provided, single submitter. Criteria: ACMG Guidelines, 2015. Collection method: clinical testing. Allele origin: unknown. Affected: yes. Observed: 1 variant allele, 1 heterozygote.
Comment: ACMG categories: PM2_SUP, PM3_STR, PP1

Natera, Inc.
Classification: Likely pathogenic for Autosomal recessive polycystic kidney disease. Last evaluated: 2025-12-30. Review status: criteria provided, single submitter. Criteria: Natera Variant Classification Schema (03/2026). Collection method: clinical testing. Allele origin: germline.
Comment: The c.5221G>A variant in PKHD1 is a missense variant predicted to cause substitution of valine to methionine at amino acid 1741. This variant is rare in the general population with a frequency below the threshold expected for the associated phenotype(s). This variant has been observed in one or more individuals affected with the associated recessive disease, as either homozygous or compound heterozygous with a second variant (PMID: 30773290, 19914852, 12846734, 38854310, 39888183). Additionally, this variant has been observed to segregate in affected family members (PMID: 30773290). Computational prediction algorithms indicate this variant is likely to affect gene or protein function. Given the available evidence, this variant is classified as Likely Pathogenic.

GeneDx
Classification: Likely pathogenic. Last evaluated: 2025-12-08. Review status: criteria provided, single submitter. Criteria: GeneDx Variant Classification Process June 2021. Collection method: clinical testing. Allele origin: germline. Affected: yes.
Comment: Identified as a single heterozygous variant in an individual with polycystic kidney disease and in an individual with liver cysts (PMID: 11919560, 21945273); Not observed at significant frequency in large population cohorts (gnomAD); In silico analysis suggests that this missense variant does not alter protein structure/function; This variant is associated with the following publications: (PMID: 39888183, 21945273, 30773290, 35372954, 12846734, 34405919, 11919560, 33454723, 38854310, 19914852, 20413436)

Victorian Clinical Genetics Services, Murdoch Childrens Research Institute
Classification: Likely pathogenic for Polycystic kidney disease 4. Last evaluated: 2025-10-28. Review status: criteria provided, single submitter. Criteria: ACMG Guidelines, 2015. Collection method: clinical testing. Allele origin: germline. Affected: yes.
Comment: This variant is classified as Likely pathogenic. Evidence in support of pathogenic classification: Variant is present in gnomAD <0.01 for a recessive condition (v4: 59 heterozygotes, 0 homozygotes); This variant has strong previous evidence of pathogenicity in unrelated individuals. This variant has been classified as pathogenic and likely pathogenic by clinical laboratories in ClinVar, as well as VUS entries. This variant has also been reported in the literature in multiple unrelated assumed compound heterozygous or homozygous individuals with ARPKD or related phenotypes (PMID: 12846734, 19914852, 20413436, 30773290, 38854310, 38125876); Heterozygous variant detected in trans with a second PATHOGENIC heterozygous variant (NM_138694.4(PKHD1):c.7350+653A>G) in a recessive disease. Additional information: Variant is predicted to result in a missense amino acid change from valine to methionine; This variant is heterozygous; This gene is associated with autosomal recessive disease; however, there are emerging reports of heterozygous carriers of PKHD1 variants developing liver cysts and nephrocalcinosis (PMID: 21945273, 36691356); No comparable missense variants have previous evidence for pathogenicity; Variant is not located in an established domain, motif, hotspot or informative constraint region; Missense variant with inconclusive in silico prediction and/or uninformative conservation; Loss of function is a known mechanism of disease in this gene and is associated with polycystic kidney disease 4, with or without hepatic disease (MIM#263200); Variants in this gene are known to have variable expressivity. Significant intrafamilial variability has been reported (PMID: 20301501).

PreventionGenetics, part of Exact Sciences
Classification: Likely pathogenic for PKHD1-related condition. Last evaluated: 2025-09-26. Review status: criteria provided, single submitter. Criteria: ACMG Guidelines, 2015. Collection method: clinical testing. Allele origin: germline.
Comment: The PKHD1 c.5221G>A variant is predicted to result in the amino acid substitution p.Val1741Met. This variant has been reported in the homozygous and presumed compound heterozygous state in individuals with polycystic kidney disease (Connaughton et al. 2019. PubMed ID: 30773290; Table S3, Benson et al. 2021. PubMed ID: 33454723; Gunay-Aygun et al. 2009. PubMed ID: 19914852). This variant is reported in 0.0047% of alleles in individuals of European (Non-Finnish) descent in gnomAD. This variant is interpreted as likely pathogenic.

Labcorp Genetics (formerly Invitae), Labcorp
Classification: Pathogenic for Autosomal recessive polycystic kidney disease. Last evaluated: 2025-06-19. Review status: criteria provided, single submitter. Criteria: Invitae Variant Classification Sherloc (09022015). Collection method: clinical testing. Allele origin: germline.
Comment: This sequence change replaces valine, which is neutral and non-polar, with methionine, which is neutral and non-polar, at codon 1741 of the PKHD1 protein (p.Val1741Met). This variant is present in population databases (rs137852946, gnomAD 0.006%). This missense change has been observed in individual(s) with clinical features of polycystic kidney disease (PMID: 11919560, 12846734, 19914852, 30773290; internal data). In at least one individual the data is consistent with being in trans (on the opposite chromosome) from a pathogenic variant. ClinVar contains an entry for this variant (Variation ID: 4111). Invitae Evidence Modeling of protein sequence and biophysical properties (such as structural, functional, and spatial information, amino acid conservation, physicochemical variation, residue mobility, and thermodynamic stability) has been performed for this missense variant. However, the output from this modeling did not meet the statistical confidence thresholds required to predict the impact of this variant on PKHD1 protein function. For these reasons, this variant has been classified as Pathogenic.

Fulgent Genetics
Classification: Likely pathogenic for Polycystic kidney disease 4. Last evaluated: 2024-03-07. Review status: criteria provided, single submitter. Criteria: ACMG Guidelines, 2015. Collection method: clinical testing. Allele origin: germline.

Cavalleri Lab, Royal College of Surgeons in Ireland
Classification: Likely pathogenic for Polycystic kidney disease 4. Last evaluated: 2020-02-05. Review status: criteria provided, single submitter. Criteria: ACMG Guidelines, 2015. Collection method: research. Allele origin: unknown. Inheritance: Autosomal recessive inheritance. Affected: yes.
Comment: PS1, PM3, PP2, PP3, PP4

Baylor Genetics
Classification: Likely pathogenic for Polycystic kidney disease 4. Review status: criteria provided, single submitter. Criteria: ACMG Guidelines, 2015. Collection method: clinical testing. Allele origin: germline.

Yale Center for Mendelian Genomics, Yale University
Classification: Pathogenic for Polycystic kidney disease 4. Last evaluated: 2019-02-14. Review status: no assertion criteria provided. Collection method: literature only. Allele origin: germline. Affected: yes. Observed: 2 homozygotes. Study: Yale Center for Mendelian Genomics. Not counted in ClinVar's aggregate classification.

OMIM
Classification: Pathogenic for POLYCYSTIC KIDNEY DISEASE 4. Last evaluated: 2002-03-01. Review status: no assertion criteria provided. Collection method: literature only. Allele origin: germline. Not counted in ClinVar's aggregate classification.

Counsyl
Classification: Uncertain significance for Polycystic kidney disease 4. Last evaluated: 2017-08-02. Review status: flagged submission. Collection method: clinical testing. Allele origin: unknown. Not counted in ClinVar's aggregate classification.
ClinVar note: Reason: Older and outlier claim with insufficient supporting evidence

Eurofins Ntd Llc (ga)
Classification: Uncertain significance. Last evaluated: 2014-03-11. Review status: flagged submission. Criteria: EGL Classification Definitions 2015. Collection method: clinical testing. Allele origin: germline. Observed: 2 variant alleles, 2 heterozygotes. Not counted in ClinVar's aggregate classification.
ClinVar note: Reason: Older and outlier claim with insufficient supporting evidence

Literature cited by the submitters: PubMed 30773290 (cited by 4 submitters); PubMed 19914852 (cited by 4 submitters); PubMed 12846734 (cited by 4 submitters); PubMed 38854310 (cited by Natera, Inc. and Victorian Clinical Genetics Services, Murdoch Childrens Research Institute); PubMed 39888183 (cited by Natera, Inc.); PubMed 20413436 (cited by Victorian Clinical Genetics Services, Murdoch Childrens Research Institute); PubMed 36691356 (cited by Victorian Clinical Genetics Services, Murdoch Childrens Research Institute); PubMed 20301501 (cited by Victorian Clinical Genetics Services, Murdoch Childrens Research Institute); PubMed 38125876 (cited by Victorian Clinical Genetics Services, Murdoch Childrens Research Institute); PubMed 21945273 (cited by Victorian Clinical Genetics Services, Murdoch Childrens Research Institute); PubMed 11919560 (cited by 4 submitters); PubMed 16523049 (cited by Counsyl).